The following is an entry in ClinVar:

NM_032638.5(GATA2):c.849C>T (p.Arg283=)

Gene: GATA2 (GATA binding protein 2; minus strand). Cytogenetic location: 3q21.3.
Variant type: single nucleotide variant.
Coding change: c.849C>T on transcript NM_032638.5 (MANE Select); coding-DNA position 849, C replaced by T.
Protein change: p.Arg283=; no amino-acid change (arginine 283 retained).
Molecular consequence: synonymous variant.
Genome position (GRCh38, 1-based): chr3:128,485,749, G>A on the plus strand (C>T on the coding strand, the complement: GATA2 is on the minus strand). VCF-style: chr3-128485749-G-A. GRCh37 (hg19) VCF-style: chr3-128204592-G-A.
Other names: c.849C>T, p.Arg283= (NM_001145661.2, NM_001145662.1).
Identifiers: ClinVar variation 3050635 (VCV003050635.2), dbSNP rs2472929740, ClinGen allele CA435510228.

ClinVar aggregate classification (germline): Likely benign (0 of 4 stars; one submission).

Conditions:
GATA2-related disorder. Also called: GATA2-Related Disorders; GATA2-related condition.

Allele frequency attached by ClinVar (database versions not stated): gnomAD exomes below 0.00001.
gnomAD v4.1: 3 of 1,613,942 alleles (0.00019%); highest among the groups gnomAD compares: Middle Eastern, 0.016%; no homozygotes.

Submission:

PreventionGenetics, part of Exact Sciences
Classification: Likely benign for GATA2-related condition. Last evaluated: 2019-07-12. Review status: no assertion criteria provided. Collection method: clinical testing. Allele origin: germline.
Comment: This variant is classified as likely benign based on ACMG/AMP sequence variant interpretation guidelines (Richards et al. 2015 PMID: 25741868, with internal and published modifications).